The following is an entry in ClinVar:

NM_000219.6(KCNE1):c.373A>T (p.Thr125Ser)

Gene: KCNE1 (potassium voltage-gated channel subfamily E regulatory subunit 1; minus strand). Cytogenetic location: 21q22.12.
Variant type: single nucleotide variant.
Coding change: c.373A>T on transcript NM_000219.6 (MANE Select); coding-DNA position 373, A replaced by T.
Protein change: p.Thr125Ser; replaces threonine 125 with serine.
Molecular consequence: missense variant.
Genome position (GRCh38, 1-based): chr21:34,449,262, T>A on the plus strand (A>T on the coding strand, the complement: KCNE1 is on the minus strand). VCF-style: chr21-34449262-T-A. GRCh37 (hg19) VCF-style: chr21-35821560-T-A.
Other names: c.373A>T, p.Thr125Ser (NM_001127668.4, NM_001127669.4, NM_001127670.4 and 4 more transcripts); short protein forms T125S.
Identifiers: ClinVar variation 3373851 (VCV003373851.2).

Conditions:
Long QT syndrome 5 (LQT5). Identifiers: Orphanet 101016, Orphanet 768, MedGen C1867904, MONDO:0013372, OMIM 613695.

Submission:

Roden Lab, Vanderbilt University Medical Center
No classification provided (evidence only). Condition: Long QT syndrome 5. Review status: no classification provided. Collection method: in vitro. Allele origin: not applicable. Functional consequence: Effect on ion channel function.
ClinVar note: "not provided" was previously submitted as the classification for the variant. However, the classification appeared to be based only on an observation of functional data so it was converted to no classification on 2025-07-30.